The following is an entry in ClinVar:

ClinVar aggregate classification (germline): Conflicting classifications of pathogenicity. Review status: criteria provided, conflicting classifications (1 of 4 stars). 4 submissions from 4 submitters: Uncertain significance (1); Benign (2). 1 of the submissions does not count toward it. Last evaluated 2026-09-01.

Conditions:
NBEA-related disorder. Also called: NBEA-related condition.

Allele frequency attached by ClinVar (database versions not stated): gnomAD 0.00378 and 0.00403; ESP Exome Variant Server 0.00391; TOPMed 0.00412; gnomAD exomes 0.00498; ExAC 0.00516; 1000 Genomes Project 30x 0.00531; 1000 Genomes Project 0.00579.
gnomAD v4.1: 8,402 of 1,607,754 alleles (0.52%); highest among the groups gnomAD compares: South Asian, 1.2%; 41 homozygotes.

Submissions (14):

CeGaT Center for Human Genetics Tuebingen
Classification: Benign. Last evaluated: 2026-09-01. Review status: criteria provided, single submitter. Criteria: CeGaT Center For Human Genetics Tuebingen Variant Classification Criteria Version 2. Collection method: clinical testing. Allele origin: germline. Affected: yes. Observed: 29 variant alleles.
Comment: NBEA: PP3, BS1, BS2

Mayo Clinic Laboratories, Mayo Clinic
Classification: Uncertain significance. Last evaluated: 2023-10-10. Review status: criteria provided, single submitter. Criteria: ACMG Guidelines, 2015. Collection method: clinical testing. Allele origin: germline. Observed: 2 variant alleles.
Comment: BS2, PP2, PM1_supporting

Labcorp Genetics (formerly Invitae), Labcorp
Classification: Benign. Last evaluated: 2019-12-31. Review status: criteria provided, single submitter. Criteria: Invitae Variant Classification Sherloc (09022015). Collection method: clinical testing. Allele origin: germline.

PreventionGenetics, part of Exact Sciences
Classification: Benign for NBEA-related condition. Last evaluated: 2020-10-08. Review status: no assertion criteria provided. Collection method: clinical testing. Allele origin: germline. Not counted in ClinVar's aggregate classification.
Comment: This variant is classified as benign based on ACMG/AMP sequence variant interpretation guidelines (Richards et al. 2015 PMID: 25741868, with internal and published modifications).

Dr. Peter K. Rogan Lab, Western University
No classification provided (evidence only). Condition: Malignant tumor of urinary bladder. Review status: no classification provided. Collection method: in vitro. Allele origin: not applicable. Functional consequence: retained intron. Not counted in ClinVar's aggregate classification.

Dr. Peter K. Rogan Lab, Western University
No classification provided (evidence only). Condition: Malignant tumor of urinary bladder. Review status: no classification provided. Collection method: in vitro. Allele origin: not applicable. Functional consequence: retained intron. Not counted in ClinVar's aggregate classification.

Dr. Peter K. Rogan Lab, Western University
No classification provided (evidence only). Condition: Clear cell carcinoma of kidney. Review status: no classification provided. Collection method: in vitro. Allele origin: not applicable. Functional consequence: retained intron. Not counted in ClinVar's aggregate classification.

Dr. Peter K. Rogan Lab, Western University
No classification provided (evidence only). Condition: Clear cell carcinoma of kidney. Review status: no classification provided. Collection method: in vitro. Allele origin: not applicable. Functional consequence: retained intron. Not counted in ClinVar's aggregate classification.

Dr. Peter K. Rogan Lab, Western University
No classification provided (evidence only). Condition: Melanoma. Review status: no classification provided. Collection method: in vitro. Allele origin: not applicable. Functional consequence: retained intron. Not counted in ClinVar's aggregate classification.

Dr. Peter K. Rogan Lab, Western University
No classification provided (evidence only). Condition: Familial cancer of breast. Review status: no classification provided. Collection method: in vitro. Allele origin: not applicable. Functional consequence: retained intron. Not counted in ClinVar's aggregate classification.

Dr. Peter K. Rogan Lab, Western University
No classification provided (evidence only). Condition: Thyroid cancer, nonmedullary, 1. Review status: no classification provided. Collection method: in vitro. Allele origin: not applicable. Functional consequence: retained intron. Not counted in ClinVar's aggregate classification.

Dr. Peter K. Rogan Lab, Western University
No classification provided (evidence only). Condition: Thyroid cancer, nonmedullary, 1. Review status: no classification provided. Collection method: in vitro. Allele origin: not applicable. Functional consequence: retained intron. Not counted in ClinVar's aggregate classification.

Dr. Peter K. Rogan Lab, Western University
No classification provided (evidence only). Condition: Thyroid cancer, nonmedullary, 1. Review status: no classification provided. Collection method: in vitro. Allele origin: not applicable. Functional consequence: retained intron. Not counted in ClinVar's aggregate classification.

Dr. Peter K. Rogan Lab, Western University
No classification provided (evidence only). Condition: Cervical cancer. Review status: no classification provided. Collection method: in vitro. Allele origin: not applicable. Functional consequence: retained intron. Not counted in ClinVar's aggregate classification.

NM_001385012.1(NBEA):c.7039A>G (p.Ile2347Val)

Gene: NBEA (neurobeachin; plus strand). Cytogenetic location: 13q13.3.
Variant type: single nucleotide variant.
Coding change: c.7039A>G on transcript NM_001385012.1 (MANE Select); coding-DNA position 7039, A replaced by G.
Protein change: p.Ile2347Val; replaces isoleucine 2347 with valine.
Molecular consequence: missense variant.
Genome position (GRCh38, 1-based): chr13:35,583,901, A>G. VCF-style: chr13-35583901-A-G. GRCh37 (hg19) VCF-style: chr13-36158038-A-G.
Other names: p.Ile2347Val; NC_000013.10:g.36158038A>G; c.418A>G, p.Ile140Val (NM_001204197.3); c.7030A>G, p.Ile2344Val (NM_001379245.1); c.7039A>G, p.Ile2347Val (NM_015678.5); short protein forms I2347V, I140V, I2344V.
Identifiers: ClinVar variation 769846 (VCV000769846.38), dbSNP rs189755961, ClinGen allele CA6947677.